The following is an entry in ClinVar:

ClinVar aggregate classification (germline): Uncertain significance (1 of 4 stars; one submission).

Submission:

Labcorp Genetics (formerly Invitae), Labcorp
Classification: Uncertain significance. Last evaluated: 2023-10-13. Review status: criteria provided, single submitter. Criteria: Invitae Variant Classification Sherloc (09022015). Collection method: clinical testing. Allele origin: germline.
Comment: This sequence change replaces arginine, which is basic and polar, with serine, which is neutral and polar, at codon 728 of the TNFAIP3 protein (p.Arg728Ser). This variant is not present in population databases (gnomAD no frequency). This variant has not been reported in the literature in individuals affected with TNFAIP3-related conditions. An algorithm developed to predict the effect of missense changes on protein structure and function (PolyPhen-2) suggests that this variant is likely to be disruptive. In summary, the available evidence is currently insufficient to determine the role of this variant in disease. Therefore, it has been classified as a Variant of Uncertain Significance.

NM_001270508.2(TNFAIP3):c.2182C>A (p.Arg728Ser)

Gene: TNFAIP3 (TNF alpha induced protein 3; plus strand). Cytogenetic location: 6q23.3.
Variant type: single nucleotide variant.
Coding change: c.2182C>A on transcript NM_001270508.2 (MANE Select); coding-DNA position 2182, C replaced by A.
Protein change: p.Arg728Ser; replaces arginine 728 with serine.
Molecular consequence: missense variant.
Genome position (GRCh38, 1-based): chr6:137,881,128, C>A. VCF-style: chr6-137881128-C-A. GRCh37 (hg19) VCF-style: chr6-138202265-C-A.
Other names: c.2182C>A, p.Arg728Ser (NM_001270507.2, NM_006290.4); short protein forms R728S.
Identifiers: ClinVar variation 2858953 (VCV002858953.3), dbSNP rs373799889, ClinGen allele CA365797519.